The following is an entry in ClinVar:

NM_000277.3(PAH):c.662A>G (p.Glu221Gly)

Gene: PAH (phenylalanine hydroxylase; minus strand). Cytogenetic location: 12q23.2.
Variant type: single nucleotide variant.
Coding change: c.662A>G on transcript NM_000277.3 (MANE Select); coding-DNA position 662, A replaced by G.
Protein change: p.Glu221Gly; replaces glutamic acid 221 with glycine.
Molecular consequence: missense variant.
Genome position (GRCh38, 1-based): chr12:102,855,180, T>C on the plus strand (A>G on the coding strand, the complement: PAH is on the minus strand). VCF-style: chr12-102855180-T-C. GRCh37 (hg19) VCF-style: chr12-103248958-T-C.
Other names: c.662A>G, p.Glu221Gly (NM_001354304.2); short protein forms E221G.
Identifiers: ClinVar variation 609 (VCV000000609.86), dbSNP rs62514934, ClinGen allele CA229677.
Genomic context (GRCh38, chr12:102,855,180, plus strand): 5'-CCTGATGTGGACTTACTCTGCAGGAACTGAGAAACGTCTTCCAGCTGGGGAATGTTATCT[T>C]CATGGAAGCCACAGTACTTTTCAAGAAGTGGAAAAATGTGATTGTACTCATAGCAAGCAT-3'
Protein context (NP_000268.1, residues 211-231): PLLEKYCGFH[Glu221Gly]DNIPQLEDVS

ClinVar aggregate classification (germline): Likely pathogenic. Review status: reviewed by expert panel (3 of 4 stars). 4 submissions from 4 submitters: Likely pathogenic (1). 3 of the submissions do not count toward it. Last evaluated 2020-05-22.

Conditions:
Phenylketonuria (PKU). Also called: Phenylketonuria (PKU); Phenylketonurias; OLIGOPHRENIA PHENYLPYRUVICA; FOLLING DISEASE. Identifiers: Orphanet 716, MedGen C0031485, MONDO:0009861, OMIM 261600. Disease mechanism: loss of function.

Allele frequency attached by ClinVar (database versions not stated): gnomAD exomes below 0.00001; ExAC 0.00001.
gnomAD v4.1: 2 of 1,614,210 alleles (0.00012%); highest among the groups gnomAD compares: Non-Finnish European, 0.00017%; no homozygotes.

Submissions (4):

ClinGen PAH Variant Curation Expert Panel
Classification: Likely pathogenic for Phenylketonuria. Last evaluated: 2020-05-22. Review status: reviewed by expert panel. Criteria: ClinGen PAH ACMG Specifications v1. Collection method: curation. Allele origin: germline. Inheritance: Autosomal recessive inheritance.
Comment: The c.662A>G (p.Glu221Gly) variant in PAH has been reported in multiple individuals with mild PKU (BH4 deficiency excluded) and MHP. (PMID: 1679030 8860005 10947211). It was detected in trans with pathogenic variant L48S and in the homozygous state. This variant has extremely low frequency in ExAC (0.00001) and gnomAD (0.000004064). Computational evidence support a deleterious effect. In summary, this variant meets criteria to be classified as likely pathogenic for PAH. PAH-specific ACMG/AMP criteria applied: PP4_Moderate, PM2, PM3, PP3.

Labcorp Genetics (formerly Invitae), Labcorp
Classification: Pathogenic for Phenylketonuria. Last evaluated: 2023-06-04. Review status: criteria provided, single submitter. Criteria: Invitae Variant Classification Sherloc (09022015). Collection method: clinical testing. Allele origin: germline. Not counted in ClinVar's aggregate classification.
Comment: ClinVar contains an entry for this variant (Variation ID: 609). This missense change has been observed in individual(s) with mild hyperphenylalaninemia and/or phenylketonuria (PMID: 1679030, 10947211, 32668217). In at least one individual the data is consistent with being in trans (on the opposite chromosome) from a pathogenic variant. This variant is present in population databases (rs62514934, gnomAD 0.0009%). This sequence change replaces glutamic acid, which is acidic and polar, with glycine, which is neutral and non-polar, at codon 221 of the PAH protein (p.Glu221Gly). For these reasons, this variant has been classified as Pathogenic. Advanced modeling of protein sequence and biophysical properties (such as structural, functional, and spatial information, amino acid conservation, physicochemical variation, residue mobility, and thermodynamic stability) has been performed at Invitae for this missense variant, however the output from this modeling did not meet the statistical confidence thresholds required to predict the impact of this variant on PAH protein function.

OMIM
Classification: Pathogenic for PHENYLKETONURIA. Last evaluated: 1991-08-01. Review status: no assertion criteria provided. Collection method: literature only. Allele origin: germline. Not counted in ClinVar's aggregate classification.

DeBelle Laboratory for Biochemical Genetics, MUHC/MCH RESEARCH INSTITUTE
No classification provided. Review status: no classification provided. Collection method: not provided. Allele origin: not provided. Not counted in ClinVar's aggregate classification.

Literature cited by the submitters: PubMed 10947211 (cited by ClinGen PAH Variant Curation Expert Panel and Labcorp Genetics (formerly Invitae), Labcorp); PubMed 1679030 (cited by 3 submitters); PubMed 8860005 (cited by ClinGen PAH Variant Curation Expert Panel); PubMed 32668217 (cited by Labcorp Genetics (formerly Invitae), Labcorp).